The following is an entry in ClinVar:

NM_000334.4(SCN4A):c.1534A>G (p.Thr512Ala)

Gene: SCN4A (sodium voltage-gated channel alpha subunit 4; minus strand). Cytogenetic location: 17q23.3.
Variant type: single nucleotide variant.
Coding change: c.1534A>G on transcript NM_000334.4 (MANE Select); coding-DNA position 1534, A replaced by G.
Protein change: p.Thr512Ala; replaces threonine 512 with alanine.
Molecular consequence: missense variant.
Genome position (GRCh38, 1-based): chr17:63,963,744, T>C on the plus strand (A>G on the coding strand, the complement: SCN4A is on the minus strand). VCF-style: chr17-63963744-T-C. GRCh37 (hg19) VCF-style: chr17-62041104-T-C.
Other names: short protein forms T512A.
Identifiers: ClinVar variation 2671646 (VCV002671646.2), dbSNP rs747569656, ClinGen allele CA8709819.

ClinVar aggregate classification (germline): Uncertain significance. Review status: criteria provided, multiple submitters, no conflicts (2 of 4 stars). 2 submissions from 2 submitters: Uncertain significance (2). Last evaluated 2025-01-17.

Conditions:
Paramyotonia congenita of Von Eulenburg. Also called: PARALYSIS PERIODICA PARAMYOTONICA; Eulenburg disease; Myotonia congenita intermittens; Von Eulenburg paramyotonia congenita; Paramyotonia Congenita. Identifiers: Orphanet 684, MedGen C0221055, MONDO:0008195, OMIM 168300. Disease mechanism: loss of function.

Allele frequency attached by ClinVar (database versions not stated): gnomAD exomes below 0.00001; ExAC 0.00001.
gnomAD v4.1: 1 of 1,609,142 alleles (0.000062%); highest among the groups gnomAD compares: Non-Finnish European, 0.000085%; no homozygotes.

Submissions (2):

Revvity Omics, Revvity
Classification: Uncertain significance. Last evaluated: 2025-01-17. Review status: criteria provided, single submitter. Criteria: ACMG Guidelines, 2015. Collection method: clinical testing. Allele origin: germline.

Neuberg Centre For Genomic Medicine, NCGM
Classification: Uncertain significance for Paramyotonia congenita of Von Eulenburg. Last evaluated: 2023-02-14. Review status: criteria provided, single submitter. Criteria: ACMG Guidelines, 2015. Collection method: clinical testing. Allele origin: germline. Inheritance: Autosomal dominant inheritance. Affected: yes.
Comment: The missense variant c.1534A>G (p.Thr512Ala) in the SCN4A gene has not been reported previously as a pathogenic variant nor as a benign variant, to our knowledge. This variant is reported with the allele frequency (0.0004%) in the gnomAD Exomes and novel (not in any individuals) in 1000 Genomes. The amino acid Threonine at position 512 is changed to a Alanine changing protein sequence and it might alter its composition and physico-chemical properties. For these reasons, this variant has been classified as Uncertain Significance.